The following is an entry in ClinVar:

NC_000023.10:g.(18668713_18671551)_(18671750_?)del

Genes: CDKL5 (cyclin dependent kinase like 5; plus strand), RS1 (retinoschisin 1; minus strand). Cytogenetic location: Xp22.13.
Variant type: Deletion.
Identifiers: ClinVar variation 3069001 (VCV003069001.1).

ClinVar aggregate classification (germline): Uncertain significance (1 of 4 stars; one submission).

Submission:

Women's Health and Genetics/Laboratory Corporation of America, LabCorp
Classification: Uncertain significance. Last evaluated: 2024-02-26. Review status: criteria provided, single submitter. Criteria: LabCorp Variant Classification Summary - May 2015. Collection method: clinical testing. Allele origin: germline.
Comment: Variant summary: The variant involves the deletion of exon 21, which includes the termination codon, in the CDKL5 gene. A presumed nomenclature of c.(2980+1_2981-1)_(*86_?)del has been designated for the purposes of this classification. The exact breakpoint at the distal 3' end of this variant is unknown, therefore this deletion may extend downstream of the annotated region of the gene. As it encompasses the termination codon, it is predicted to escape nonsense mediated decay (NMD). The variant was absent in 16120 control chromosomes (gnomAD Structural Variants dataset). c.(2980+1_2981-1)_(*86_?)del has been reported in the literature in at least one individual in a cohort of unselected patients with epilepsy and neurodevelopmental disorders (e.g., Lindy_2018). This report does not provide unequivocal conclusions about association of the variant with Early Infantile Epileptic Encephalopathy 2. To our knowledge, no experimental evidence demonstrating an impact on protein function has been reported. The following publication was ascertained in the context of this evaluation (PMID: 29655203). ClinVar contains an entry for this variant (Variation ID: 2424638). Based on the evidence outlined above, the variant was classified as uncertain significance.

Literature cited by the submitters: PubMed 29655203.